The following is an entry in ClinVar:

NM_001173467.3(SP7):c.126delinsCCAGTTCT (p.Gly43fs)

Gene: SP7 (Sp7 transcription factor; minus strand). Cytogenetic location: 12q13.13.
Variant type: Indel.
Coding change: c.126delinsCCAGTTCT on transcript NM_001173467.3 (MANE Select); coding-DNA position 126, A replaced by CCAGTTCT.
Protein change: p.Gly43fs; shifts the reading frame from glycine 43.
Molecular consequence: frameshift variant.
Genome position (GRCh38, 1-based): chr12:53,329,316, T replaced by AGAACTGG on the plus strand (A replaced by CCAGTTCT on the coding strand, the reverse complement: SP7 is on the minus strand). VCF-style: chr12-53329316-T-AGAACTGG. GRCh37 (hg19) VCF-style: chr12-53723100-T-AGAACTGG.
Other names: c.72delinsCCAGTTCT, p.Gly25fs (NM_001300837.2); c.126delinsCCAGTTCT, p.Gly43fs (NM_152860.2); short protein forms G25fs, G43fs.
Identifiers: ClinVar variation 4848922 (VCV004848922.1).

ClinVar aggregate classification (germline): Uncertain significance (1 of 4 stars; one submission).

Submission:

Women's Health and Genetics/Laboratory Corporation of America, LabCorp
Classification: Uncertain significance. Last evaluated: 2026-04-02. Review status: criteria provided, single submitter. Criteria: LabCorp Variant Classification Summary - May 2015. Collection method: clinical testing. Allele origin: germline.
Comment: Variant summary: SP7 c.126delinsCCAGTTCT (p.Gly43GlnfsX13) results in a premature termination codon, predicted to cause a truncation of the encoded protein or absence of the protein due to nonsense mediated decay, however current evidence is not sufficient to establish loss of function as a mechanism for disease. The variant was absent in 31378 control chromosomes (gnomAD). The available data on variant occurrences in the general population are insufficient to allow any conclusion about variant significance. This does not provide unequivocal conclusions about association of the variant with Osteogenesis Imperfecta Type 12. To our knowledge, no experimental evidence demonstrating an impact on protein function has been reported. No submitters have cited clinical-significance assessments for this variant to ClinVar. Based on the evidence outlined above, the variant was classified as uncertain significance.